The following is an entry in ClinVar:

ClinVar aggregate classification (germline): Uncertain significance (1 of 4 stars; one submission).

Conditions:
Familial thoracic aortic aneurysm and aortic dissection (TAAD). Also called: Thoracic aortic aneurysms and dissections. Identifiers: Orphanet 91387, MedGen C4707243, MONDO:0019625.

Submission:

Labcorp Genetics (formerly Invitae), Labcorp
Classification: Uncertain significance for Familial thoracic aortic aneurysm and aortic dissection. Last evaluated: 2025-12-11. Review status: criteria provided, single submitter. Criteria: Invitae Variant Classification Sherloc (09022015). Collection method: clinical testing. Allele origin: germline.
Comment: This sequence change replaces cysteine, which is neutral and slightly polar, with phenylalanine, which is neutral and non-polar, at codon 109 of the SMAD3 protein (p.Cys109Phe). This variant is not present in population databases (gnomAD no frequency). This variant has not been reported in the literature in individuals affected with SMAD3-related conditions. Invitae Evidence Modeling of protein sequence and biophysical properties (such as structural, functional, and spatial information, amino acid conservation, physicochemical variation, residue mobility, and thermodynamic stability) indicates that this missense variant is expected to disrupt SMAD3 protein function with a positive predictive value of 80%. In summary, the available evidence is currently insufficient to determine the role of this variant in disease. Therefore, it has been classified as a Variant of Uncertain Significance.

NM_005902.4(SMAD3):c.326G>T (p.Cys109Phe)

Gene: SMAD3 (SMAD family member 3; plus strand). Cytogenetic location: 15q22.33.
Variant type: single nucleotide variant.
Coding change: c.326G>T on transcript NM_005902.4 (MANE Select); coding-DNA position 326, G replaced by T.
Protein change: p.Cys109Phe; replaces cysteine 109 with phenylalanine.
Molecular consequence: missense variant.
Genome position (GRCh38, 1-based): chr15:67,165,014, G>T. VCF-style: chr15-67165014-G-T. GRCh37 (hg19) VCF-style: chr15-67457352-G-T.
Other names: c.11G>T, p.Cys4Phe (NM_001145102.2, NM_001407015.1, NM_001407016.1); c.194G>T, p.Cys65Phe (NM_001145103.2); c.326G>T, p.Cys109Phe (NM_001407011.1, NM_001407012.1, NM_001407013.1); c.179G>T, p.Cys60Phe (NM_001407014.1); short protein forms C109F, C65F, C60F, C4F.
Identifiers: ClinVar variation 4741464 (VCV004741464.1).
Genomic context (GRCh38, chr15:67,165,014, plus strand): 5'-GCCGCCTGTGGCGATGGCCAGACCTGCACAGCCACCACGAGCTACGGGCCATGGAGCTGT[G>T]TGAGTTCGCCTTCAATATGAAGAAGGACGAGGTCTGCGTGAATCCCTACCACTACCAGAG-3'
Protein context (NP_005893.1, residues 99-119): SHHELRAMEL[Cys109Phe]EFAFNMKKDE